The following is an entry in ClinVar:

ClinVar aggregate classification (germline): Uncertain significance (1 of 4 stars; one submission).

Conditions:
Arrhythmogenic right ventricular dysplasia 13. Also called: ARRHYTHMOGENIC RIGHT VENTRICULAR CARDIOMYOPATHY 13; Arrhythmogenic right ventricular dysplasia, familial, 13. Identifiers: MedGen C3810138, MONDO:0000908, OMIM 615616.

Submission:

Labcorp Genetics (formerly Invitae), Labcorp
Classification: Uncertain significance for Arrhythmogenic right ventricular dysplasia 13. Last evaluated: 2022-09-13. Review status: criteria provided, single submitter. Criteria: Invitae Variant Classification Sherloc (09022015). Collection method: clinical testing. Allele origin: germline.
Comment: This variant has not been reported in the literature in individuals affected with CTNNA3-related conditions. This sequence change falls in intron 6 of the CTNNA3 gene. It does not directly change the encoded amino acid sequence of the CTNNA3 protein. This variant is not present in population databases (gnomAD no frequency). ClinVar contains an entry for this variant (Variation ID: 1019825). Algorithms developed to predict the effect of sequence changes on RNA splicing suggest that this variant may create or strengthen a splice site. In summary, the available evidence is currently insufficient to determine the role of this variant in disease. Therefore, it has been classified as a Variant of Uncertain Significance.

NM_013266.4(CTNNA3):c.844-5C>G

Gene: CTNNA3 (catenin alpha 3; minus strand). Cytogenetic location: 10q21.3.
Variant type: single nucleotide variant.
Coding change: c.844-5C>G on transcript NM_013266.4 (MANE Select); 5 bases into the intron before coding-DNA position 844, C replaced by G.
Molecular consequence: intron variant.
Genome position (GRCh38, 1-based): chr10:67,180,525, G>C on the plus strand (C>G on the coding strand, the complement: CTNNA3 is on the minus strand). VCF-style: chr10-67180525-G-C. GRCh37 (hg19) VCF-style: chr10-68940283-G-C.
Other names: c.844-5C>G (NM_001127384.3); c.880-5C>G (NM_001291133.2).
Identifiers: ClinVar variation 1019825 (VCV001019825.8), dbSNP rs1862484592, ClinGen allele CA1916763520.